The following is an entry in ClinVar:

NM_001348323.3(TRIP12):c.694_698dup (p.Thr234fs)

Gene: TRIP12 (thyroid hormone receptor interactor 12; minus strand). Cytogenetic location: 2q36.3.
Variant type: Duplication.
Coding change: c.694_698dup on transcript NM_001348323.3 (MANE Select); coding-DNA positions 694 to 698, 5 bases duplicated (TGTAG; older notation c.694_698dupTGTAG).
Protein change: p.Thr234fs; shifts the reading frame from threonine 234.
Molecular consequence: frameshift variant. On other transcripts: intron variant (1).
Genome position (GRCh38, 1-based): chr2:229,859,101-229,859,105, CTACA duplicated on the plus strand (TGTAG on the coding strand, the reverse complement: TRIP12 is on the minus strand); duplicating any 5 consecutive bases within chr2:229,859,101-229,859,106 gives the same sequence; the c. name uses the placement nearest the transcript's 3' end. VCF-style (leftmost placement, unchanged base first): chr2-229859100-G-GCTACA. GRCh37 (hg19) VCF-style: chr2-230723816-G-GCTACA.
Other names: c.694_698dup, p.Thr234fs (NM_001284214.2, NM_001348315.2, NM_001348319.1 and 15 more transcripts); c.568_572dup, p.Thr192fs (NM_001284215.2, NM_001348316.2, NM_001348317.1 and 3 more transcripts); c.98+20877_98+20881dup (NM_001284216.2); short protein forms T192fs, T234fs.
Identifiers: ClinVar variation 2637279 (VCV002637279.1), dbSNP rs2475940136, ClinGen allele CA2695197697.

ClinVar aggregate classification (germline): Likely pathogenic (1 of 4 stars; one submission).

Conditions:
TRIP12-related disorder. Also called: TRIP12-related condition.

Submission:

PreventionGenetics, part of Exact Sciences
Classification: Likely pathogenic for TRIP12-related condition. Last evaluated: 2022-09-09. Review status: criteria provided, single submitter. Criteria: ACMG Guidelines, 2015. Collection method: clinical testing. Allele origin: germline.
Comment: The TRIP12 c.694_698dup5 variant is predicted to result in a frameshift and premature protein termination (p.Thr234Valfs*20). To our knowledge, this variant has not been reported in the literature or in a large population database, indicating this variant is rare. Frameshift variants in TRIP12 are expected to be pathogenic and have been reported upstream and downstream of this position in individuals with Clark-Baraitser syndrome (OMIM: #617752; HGMD: Human Gene Mutation Database; Miller et al. 2020. PubMed ID: 32371413; Louie et al. 2020. PubMed ID: 31814248; Bramswig et al. 2017. PubMed ID: 27848077). Furthermore, mosaic variants have also been reported (Case 3, Table 2, Miller et al. 2020. PubMed ID: 32371413). Taken together, this variant is interpreted as likely pathogenic.